The following is an entry in ClinVar:

ClinVar aggregate classification (germline): Benign/Likely benign. Review status: criteria provided, multiple submitters, no conflicts (2 of 4 stars). 4 submissions from 4 submitters: Benign (1); Likely benign (2). 1 of the submissions does not count toward it. Last evaluated 2025-06-12.

Conditions:
DLC1-related disorder. Also called: DLC1-related condition.

Allele frequency attached by ClinVar (database versions not stated): ExAC 0.00036; 1000 Genomes Project 30x 0.00078; 1000 Genomes Project 0.00100; ESP Exome Variant Server 0.00115; gnomAD 0.00141; TOPMed 0.00144.
gnomAD v4.1: 429 of 1,614,180 alleles (0.027%); highest among the groups gnomAD compares: African/African-American, 0.47%; no homozygotes.

Submissions (4):

Labcorp Genetics (formerly Invitae), Labcorp
Classification: Benign. Last evaluated: 2025-06-12. Review status: criteria provided, single submitter. Criteria: Invitae Variant Classification Sherloc (09022015). Collection method: clinical testing. Allele origin: germline.

Blueprint Genetics
Classification: Likely benign. Last evaluated: 2023-12-27. Review status: criteria provided, single submitter. Criteria: ACMG Guidelines, 2015. Collection method: clinical testing. Allele origin: germline.

CeGaT Center for Human Genetics Tuebingen
Classification: Likely benign. Last evaluated: 2023-04-01. Review status: criteria provided, single submitter. Criteria: CeGaT Center For Human Genetics Tuebingen Variant Classification Criteria Version 2. Collection method: clinical testing. Allele origin: germline. Affected: yes. Observed: 1 variant allele.
Comment: DLC1: BP4, BP7

PreventionGenetics, part of Exact Sciences
Classification: Likely benign for DLC1-related condition. Last evaluated: 2020-01-02. Review status: no assertion criteria provided. Collection method: clinical testing. Allele origin: germline. Not counted in ClinVar's aggregate classification.
Comment: This variant is classified as likely benign based on ACMG/AMP sequence variant interpretation guidelines (Richards et al. 2015 PMID: 25741868, with internal and published modifications).

NM_182643.3(DLC1):c.3489G>A (p.Thr1163=)

Gene: DLC1 (DLC1 Rho GTPase activating protein; minus strand). Cytogenetic location: 8p22.
Variant type: single nucleotide variant.
Coding change: c.3489G>A on transcript NM_182643.3 (MANE Select); coding-DNA position 3489, G replaced by A.
Protein change: p.Thr1163=; no amino-acid change (threonine 1163 retained).
Molecular consequence: synonymous variant.
Genome position (GRCh38, 1-based): chr8:13,094,796, C>T on the plus strand (G>A on the coding strand, the complement: DLC1 is on the minus strand). VCF-style: chr8-13094796-C-T. GRCh37 (hg19) VCF-style: chr8-12952305-C-T.
Other names: c.1956G>A, p.Thr652= (NM_001164271.2, NM_001348082.2, NM_001348083.1 and 6 more transcripts); c.2280G>A, p.Thr760= (NM_001316668.2, NM_001413129.1); c.3489G>A, p.Thr1163= (NM_001348081.2, NM_001413124.1); c.2271G>A, p.Thr757= (NM_001413130.1); c.1929G>A, p.Thr643= (NM_001413131.1, NM_001413137.1); c.2415G>A, p.Thr805= (NM_001413132.1); c.2178G>A, p.Thr726= (NM_001413135.1, NM_001413136.1, NM_001413139.1 and 1 more transcripts); c.2313G>A, p.Thr771= (NM_001413140.1); and 1 more.
Identifiers: ClinVar variation 2571309 (VCV002571309.32), dbSNP rs35279447, ClinGen allele CA4638313.
Genomic context (GRCh38, chr8:13,094,796, plus strand): 5'-TCTTAAGATCAAAGGACACTCACATTGGTAGATCTGTAGAAAGGTTTCCGAGAGTTTGTT[C>T]GTCATTAGTGGCTCAGGAAGATCTCGAAAATACTGCTTCAGCATGTCTGCCACGTCATAA-3'
Protein context (NP_872584.2, residues 1153-1173): YFRDLPEPLM[Thr1163=]NKLSETFLQI